The following is an entry in ClinVar:

ClinVar aggregate classification (germline): Uncertain significance (1 of 4 stars; one submission).

Submission:

Labcorp Genetics (formerly Invitae), Labcorp
Classification: Uncertain significance. Last evaluated: 2025-03-13. Review status: criteria provided, single submitter. Criteria: Invitae Variant Classification Sherloc (09022015). Collection method: clinical testing. Allele origin: germline.
Comment: This sequence change replaces alanine, which is neutral and non-polar, with threonine, which is neutral and polar, at codon 239 of the BRWD3 protein (p.Ala239Thr). This variant is not present in population databases (gnomAD no frequency). This variant has not been reported in the literature in individuals affected with BRWD3-related conditions. Invitae Evidence Modeling of protein sequence and biophysical properties (such as structural, functional, and spatial information, amino acid conservation, physicochemical variation, residue mobility, and thermodynamic stability) indicates that this missense variant is expected to disrupt BRWD3 protein function with a positive predictive value of 80%. In summary, the available evidence is currently insufficient to determine the role of this variant in disease. Therefore, it has been classified as a Variant of Uncertain Significance.

NM_153252.5(BRWD3):c.715G>A (p.Ala239Thr)

Gene: BRWD3 (bromodomain and WD repeat domain containing 3; minus strand). Cytogenetic location: Xq21.1.
Variant type: single nucleotide variant.
Coding change: c.715G>A on transcript NM_153252.5 (MANE Select); coding-DNA position 715, G replaced by A.
Protein change: p.Ala239Thr; replaces alanine 239 with threonine.
Molecular consequence: missense variant.
Genome position (GRCh38, 1-based): chrX:80,744,130, C>T on the plus strand (G>A on the coding strand, the complement: BRWD3 is on the minus strand). VCF-style: chrX-80744130-C-T. GRCh37 (hg19) VCF-style: chrX-79999629-C-T.
Other names: c.715G>A, p.Ala239Thr (NM_001441339.1); short protein forms A239T.
Identifiers: ClinVar variation 4741315 (VCV004741315.1).
Genomic context (GRCh38, chrX:80,744,130, plus strand): 5'-CTGCAACGGGTGCACAAGTTCGAAGACACCATACTCTTACTACCTTATCACAGCTGCCTG[C>T]AGCAATAAGAGTGTTTTCATAGTTAACAGCCATGTCAGAAATTTCAGCAGAGTGTCCACG-3'
Protein context (NP_694984.5, residues 229-249): AVNYENTLIA[Ala239Thr]GSCDKVVRVW